The following is an entry in ClinVar:

ClinVar aggregate classification (germline): Uncertain significance. Review status: criteria provided, single submitter (1 of 4 stars). 2 submissions from 2 submitters: Uncertain significance (1). 1 of the submissions does not count toward it. Last evaluated 2026-03-25.

Conditions:
Tay-Sachs disease (TSD). Also called: HEXA Disorders; HEXA DEFICIENCY; Hexosaminidase A Deficiency; GM2 gangliosidosis, type 1; Hexosaminidase alpha-subunit deficiency (variant B); Sphingolipidosis, Tay-Sachs. Identifiers: Orphanet 845, MedGen C0039373, MONDO:0010100, OMIM 272800.

Allele frequency attached by ClinVar (database versions not stated): TOPMed below 0.00001; gnomAD 0.00001; gnomAD exomes 0.00001 and 0.00005.
gnomAD v4.1: 29 of 1,612,760 alleles (0.0018%); highest among the groups gnomAD compares: East Asian, 0.065%; no homozygotes.

Submissions (2):

Women's Health and Genetics/Laboratory Corporation of America, LabCorp
Classification: Uncertain significance. Last evaluated: 2026-03-25. Review status: criteria provided, single submitter. Criteria: LabCorp Variant Classification Summary - May 2015. Collection method: clinical testing. Allele origin: germline.
Comment: Variant summary: HEXA c.428G>T (p.Ser143Ile) results in a non-conservative amino acid change in the encoded protein sequence. Algorithms developed to predict the effect of missense changes on protein structure and function all suggest that this variant is likely to be disruptive. The variant allele was found at a frequency of 8e-06 in 251452 control chromosomes. The available data on variant occurrences in the general population are insufficient to allow any conclusion about variant significance. To our knowledge, no occurrence of c.428G>T in individuals affected with HEXA-related conditions and no experimental evidence demonstrating its impact on protein function have been reported. ClinVar contains an entry for this variant (Variation ID: 554883). Based on the evidence outlined above, the variant was classified as uncertain significance.

Counsyl
Classification: Uncertain significance for Tay-Sachs disease. Last evaluated: 2017-11-16. Review status: no assertion criteria provided. Collection method: clinical testing. Allele origin: unknown. Not counted in ClinVar's aggregate classification.

NM_000520.6(HEXA):c.428G>T (p.Ser143Ile)

Gene: HEXA (hexosaminidase subunit alpha; minus strand). Cytogenetic location: 15q23.
Variant type: single nucleotide variant.
Coding change: c.428G>T on transcript NM_000520.6 (MANE Select); coding-DNA position 428, G replaced by T.
Protein change: p.Ser143Ile; replaces serine 143 with isoleucine.
Molecular consequence: missense variant. On other transcripts: non-coding transcript variant (1).
Genome position (GRCh38, 1-based): chr15:72,353,722, C>A on the plus strand (G>T on the coding strand, the complement: HEXA is on the minus strand). VCF-style: chr15-72353722-C-A. GRCh37 (hg19) VCF-style: chr15-72646063-C-A.
Other names: c.461G>T, p.Ser154Ile (NM_001318825.2); short protein forms S143I, S154I.
Identifiers: ClinVar variation 554883 (VCV000554883.3), dbSNP rs1273494297, ClinGen allele CA393065642.